The following is an entry in ClinVar:

NM_001365951.3(KIF1B):c.88A>T (p.Met30Leu)

Genes: KIF1B (kinesin family member 1B; plus strand), LOC129388446 (MPRA-validated peak64 silencer; plus strand). Cytogenetic location: 1p36.22.
Variant type: single nucleotide variant.
Coding change: c.88A>T on transcript NM_001365951.3 (MANE Select); coding-DNA position 88, A replaced by T.
Protein change: p.Met30Leu; replaces methionine 30 with leucine.
Molecular consequence: missense variant.
Genome position (GRCh38, 1-based): chr1:10,232,416, A>T. VCF-style: chr1-10232416-A-T. GRCh37 (hg19) VCF-style: chr1-10292474-A-T.
Other names: c.88A>T, p.Met30Leu (NM_001365952.1, NM_001365953.1, NM_015074.3 and 1 more transcripts); short protein forms M30L.
Identifiers: ClinVar variation 1765034 (VCV001765034.2), dbSNP rs2523353071, ClinGen allele CA338316425.

ClinVar aggregate classification (germline): Uncertain significance (1 of 4 stars; one submission).

Submission:

Ambry Genetics
Classification: Uncertain significance. Last evaluated: 2022-03-01. Review status: criteria provided, single submitter. Criteria: Ambry Variant Classification Scheme 2023. Collection method: clinical testing. Allele origin: germline.
Comment: The p.M30L variant (also known as c.88A>T), located in coding exon 1 of the KIF1B gene, results from an A to T substitution at nucleotide position 88. The methionine at codon 30 is replaced by leucine, an amino acid with highly similar properties. This amino acid position is conserved. In addition, this alteration is predicted to be deleterious by in silico analysis. Since supporting evidence is limited at this time, the clinical significance of this alteration remains unclear.